The following is an entry in ClinVar:

ClinVar aggregate classification (germline): Uncertain significance (1 of 4 stars; one submission).

gnomAD v4.1: 8 of 1,614,092 alleles (0.0005%); highest among the groups gnomAD compares: Non-Finnish European, 0.00068%; no homozygotes.

Submission:

Labcorp Genetics (formerly Invitae), Labcorp
Classification: Uncertain significance. Last evaluated: 2026-01-26. Review status: criteria provided, single submitter. Criteria: Invitae Variant Classification Sherloc (09022015). Collection method: clinical testing. Allele origin: germline.
Comment: This sequence change replaces cysteine, which is neutral and slightly polar, with arginine, which is basic and polar, at codon 56 of the CEP152 protein (p.Cys56Arg). This variant is not present in population databases (gnomAD no frequency). This variant has not been reported in the literature in individuals affected with CEP152-related conditions. Invitae Evidence Modeling of protein sequence and biophysical properties (such as structural, functional, and spatial information, amino acid conservation, physicochemical variation, residue mobility, and thermodynamic stability) has been performed for this missense variant. However, the output from this modeling did not meet the statistical confidence thresholds required to predict the impact of this variant on CEP152 protein function. In summary, the available evidence is currently insufficient to determine the role of this variant in disease. Therefore, it has been classified as a Variant of Uncertain Significance.

NM_001194998.2(CEP152):c.166T>C (p.Cys56Arg)

Gene: CEP152 (centrosomal protein 152; minus strand). Cytogenetic location: 15q21.1.
Variant type: single nucleotide variant.
Coding change: c.166T>C on transcript NM_001194998.2 (MANE Select); coding-DNA position 166, T replaced by C.
Protein change: p.Cys56Arg; replaces cysteine 56 with arginine.
Molecular consequence: missense variant.
Genome position (GRCh38, 1-based): chr15:48,797,973, A>G on the plus strand (T>C on the coding strand, the complement: CEP152 is on the minus strand). VCF-style: chr15-48797973-A-G. GRCh37 (hg19) VCF-style: chr15-49090170-A-G.
Other names: c.166T>C, p.Cys56Arg (NM_014985.4); short protein forms C56R.
Identifiers: ClinVar variation 4771426 (VCV004771426.1).